The following is an entry in ClinVar:

NM_015450.3(POT1):c.753G>T (p.Met251Ile)

Gene: POT1 (protection of telomeres 1; minus strand). Cytogenetic location: 7q31.33.
Variant type: single nucleotide variant.
Coding change: c.753G>T on transcript NM_015450.3 (MANE Select); coding-DNA position 753, G replaced by T.
Protein change: p.Met251Ile; replaces methionine 251 with isoleucine.
Molecular consequence: missense variant. On other transcripts: non-coding transcript variant (3).
Genome position (GRCh38, 1-based): chr7:124,853,088, C>A on the plus strand (G>T on the coding strand, the complement: POT1 is on the minus strand). VCF-style: chr7-124853088-C-A. GRCh37 (hg19) VCF-style: chr7-124493142-C-A.
Other names: c.360G>T, p.Met120Ile (NM_001042594.2); short protein forms M251I, M120I.
Identifiers: ClinVar variation 1759440 (VCV001759440.2), dbSNP rs1172142052, ClinGen allele CA369055617.
Genomic context (GRCh38, chr7:124,853,088, plus strand): 5'-GTAACTGGTACCTCCATGAAGATGAAACTCTAAACTTAACATTGTCTGATTCTCTGAATT[C>A]ATTGATTGAAGTTTGGTATGAAGGCTATAGATTCTAAGAAAGCTTCCAACCTAAAAAATA-3'
Protein context (NP_056265.2, residues 241-261): IYSLHTKLQS[Met251Ile]NSENQTMLSL

ClinVar aggregate classification (germline): Uncertain significance (1 of 4 stars; one submission).

Conditions:
Hereditary cancer-predisposing syndrome. Also called: Neoplastic Syndromes, Hereditary; Tumor predisposition; Hereditary Cancer Syndrome; Hereditary neoplastic syndrome. Identifiers: Orphanet 140162, MedGen C0027672, MeSH D009386, MONDO:0015356.

Submission:

Ambry Genetics
Classification: Uncertain significance for Hereditary cancer-predisposing syndrome. Last evaluated: 2021-02-01. Review status: criteria provided, single submitter. Criteria: Ambry Variant Classification Scheme 2023. Collection method: clinical testing. Allele origin: germline.
Comment: The p.M251I variant (also known as c.753G>T), located in coding exon 6 of the POT1 gene, results from a G to T substitution at nucleotide position 753. The methionine at codon 251 is replaced by isoleucine, an amino acid with highly similar properties. This amino acid position is poorly conserved in available vertebrate species. In addition, this alteration is predicted to be tolerated by in silico analysis. Since supporting evidence is limited at this time, the clinical significance of this alteration remains unclear.